The following is an entry in ClinVar:

NM_003072.5(SMARCA4):c.3630G>C (p.Val1210=)

Gene: SMARCA4 (SWI/SNF related BAF chromatin remodeling complex subunit ATPase 4; plus strand). Cytogenetic location: 19p13.2.
Variant type: single nucleotide variant.
Coding change: c.3630G>C on transcript NM_003072.5 (MANE Select); coding-DNA position 3630, G replaced by C.
Protein change: p.Val1210=; no amino-acid change (valine 1210 retained).
Molecular consequence: synonymous variant. On other transcripts: non-coding transcript variant (1).
Genome position (GRCh38, 1-based): chr19:11,033,373, G>C. VCF-style: chr19-11033373-G-C. GRCh37 (hg19) VCF-style: chr19-11144049-G-C.
Other names: c.3630G>C, p.Val1210= (NM_001128844.3, NM_001128845.2, NM_001128846.2 and 4 more transcripts).
Identifiers: ClinVar variation 749010 (VCV000749010.14), dbSNP rs1600389814, ClinGen allele CA505493063.
Genomic context (GRCh38, chr19:11,033,373, plus strand): 5'-CCACCGCATCGGGCAGCAGAACGAGGTGCGTGTGCTCCGCCTCTGCACCGTCAACAGCGT[G>C]GAGGAGAAGATCCTAGCTGCAGCCAAGTACAAGCTCAACGTGGACCAGAAGGTGATCCAG-3'
Protein context (NP_003063.2, residues 1200-1220): RVLRLCTVNS[Val1210=]EEKILAAAKY

ClinVar aggregate classification (germline): Benign/Likely benign. Review status: criteria provided, multiple submitters, no conflicts (2 of 4 stars). 3 submissions from 3 submitters: Benign (1); Likely benign (2). Last evaluated 2026-07-15.

Conditions:
Hereditary cancer-predisposing syndrome. Also called: Hereditary neoplastic syndrome; Neoplastic Syndromes, Hereditary; Tumor predisposition; Hereditary Cancer Syndrome. Identifiers: Orphanet 140162, MedGen C0027672, MeSH D009386, MONDO:0015356.
Rhabdoid tumor predisposition syndrome 2 (RTPS2). Identifiers: Orphanet 231108, Orphanet 69077, MedGen C2750074, MONDO:0013224, OMIM 613325.

Allele frequency attached by ClinVar (database versions not stated): TOPMed 0.00001.

Submissions (3):

Myriad Genetics, Inc.
Classification: Benign for Rhabdoid tumor predisposition syndrome 2. Last evaluated: 2026-07-15. Review status: criteria provided, single submitter. Criteria: Myriad Autosomal Dominant, Autosomal Recessive and X-Linked Classification Criteria (2023). Collection method: clinical testing. Allele origin: unknown.
Comment: This variant is considered benign. This variant is a silent/synonymous amino acid change and it is not expected to impact splicing.

Labcorp Genetics (formerly Invitae), Labcorp
Classification: Likely benign for Rhabdoid tumor predisposition syndrome 2. Last evaluated: 2024-04-18. Review status: criteria provided, single submitter. Criteria: Invitae Variant Classification Sherloc (09022015). Collection method: clinical testing. Allele origin: germline.

Ambry Genetics
Classification: Likely benign for Hereditary cancer-predisposing syndrome. Last evaluated: 2020-09-17. Review status: criteria provided, single submitter. Criteria: Ambry Variant Classification Scheme 2023. Collection method: clinical testing. Allele origin: germline.